The following is an entry in ClinVar:

NM_000051.4(ATM):c.8394_8396delinsTGATA (p.Phe2799fs)

Genes: ATM (ATM serine/threonine kinase; plus strand), C11orf65 (chromosome 11 open reading frame 65; minus strand). Cytogenetic location: 11q22.3.
Variant type: Indel.
Coding change: c.8394_8396delinsTGATA on transcript NM_000051.4 (MANE Select); coding-DNA positions 8394 to 8396, CTT replaced by TGATA.
Protein change: p.Phe2799fs; shifts the reading frame from phenylalanine 2799.
Molecular consequence: frameshift variant. On other transcripts: intron variant (2).
Genome position (GRCh38, 1-based): chr11:108,343,347-108,343,349, CTT replaced by TGATA. VCF-style: chr11-108343347-CTT-TGATA. GRCh37 (hg19) VCF-style: chr11-108214074-CTT-TGATA.
Other names: c.8394_8396delinsTGATA, p.Phe2799fs (NM_001351834.2); c.641-34278_641-34276delinsTATCA (NM_001330368.2); c.695-8057_695-8055delinsTATCA (NM_001351110.2); short protein forms F2799fs.
Identifiers: ClinVar variation 3148600 (VCV003148600.1), dbSNP rs2547419235, ClinGen allele CA2825001976.

ClinVar aggregate classification (germline): Pathogenic (1 of 4 stars; one submission).

Conditions:
Familial cancer of breast. Also called: hereditary breast carcinoma; BREAST CANCER, FAMILIAL; Hereditary breast cancer. Identifiers: Orphanet 227535, MedGen C0346153, MONDO:0016419, OMIM 114480. Disease mechanism: loss of function.

Submission:

Myriad Genetics, Inc.
Classification: Pathogenic for Familial cancer of breast. Last evaluated: 2024-02-02. Review status: criteria provided, single submitter. Criteria: Myriad Autosomal Dominant, Autosomal Recessive and X-Linked Classification Criteria (2023). Collection method: clinical testing. Allele origin: unknown.
Comment: This variant is considered pathogenic. This variant creates a frameshift predicted to result in premature protein truncation.